The following is an entry in ClinVar:

ClinVar aggregate classification (germline): Uncertain significance. Review status: criteria provided, multiple submitters, no conflicts (2 of 4 stars). 4 submissions from 4 submitters: Uncertain significance (3). 1 of the submissions does not count toward it. Last evaluated 2025-05-19.

Conditions:
Autoimmune interstitial lung disease-arthritis syndrome. Also called: Autoinflammation and autoimmunity, systemic, with immune dysregulation. Identifiers: Orphanet 444092, MedGen C5975714, MONDO:0014629.
Inborn genetic diseases. Identifiers: MedGen C0950123, MeSH D030342.

Allele frequency attached by ClinVar (database versions not stated): ExAC 0.00001; gnomAD exomes 0.00001; gnomAD 0.00003.
gnomAD v4.1: 13 of 1,614,040 alleles (0.00081%); highest among the groups gnomAD compares: Non-Finnish European, 0.0011%; no homozygotes.

Submissions (4):

Mayo Clinic Laboratories, Mayo Clinic
Classification: Uncertain significance. Last evaluated: 2025-05-19. Review status: criteria provided, single submitter. Criteria: ACMG Guidelines, 2015. Collection method: clinical testing. Allele origin: germline. Observed: 1 variant allele.
Comment: PP1, PM2_supporting, PS3_supporting

Labcorp Genetics (formerly Invitae), Labcorp
Classification: Uncertain significance for Autoimmune interstitial lung disease-arthritis syndrome. Last evaluated: 2025-04-08. Review status: criteria provided, single submitter. Criteria: Invitae Variant Classification Sherloc (09022015). Collection method: clinical testing. Allele origin: germline.
Comment: This sequence change replaces cysteine, which is neutral and slightly polar, with serine, which is neutral and polar, at codon 1013 of the COPA protein (p.Cys1013Ser). This variant is present in population databases (rs775980693, gnomAD 0.002%). This missense change has been observed in individual(s) with clinical features of COPA-related conditions (PMID: 38175705). ClinVar contains an entry for this variant (Variation ID: 3147973). Invitae Evidence Modeling of protein sequence and biophysical properties (such as structural, functional, and spatial information, amino acid conservation, physicochemical variation, residue mobility, and thermodynamic stability) indicates that this missense variant is not expected to disrupt COPA protein function with a negative predictive value of 80%. Experimental studies have shown that this missense change does not substantially affect COPA function (PMID: 38175705). In summary, the available evidence is currently insufficient to determine the role of this variant in disease. Therefore, it has been classified as a Variant of Uncertain Significance.

Ambry Genetics
Classification: Uncertain significance for Inborn genetic diseases. Last evaluated: 2024-01-24. Review status: criteria provided, single submitter. Criteria: Ambry Variant Classification Scheme 2023. Collection method: clinical testing. Allele origin: germline.

OMIM
Classification: Pathogenic for AUTOINFLAMMATION AND AUTOIMMUNITY, SYSTEMIC, WITH IMMUNE DYSREGULATION 1. Last evaluated: 2025-11-13. Review status: no assertion criteria provided. Collection method: literature only. Allele origin: germline. Not counted in ClinVar's aggregate classification.

Literature cited by the submitters: PubMed 38175705 (cited by 3 submitters).

NM_004371.4(COPA):c.3038G>C (p.Cys1013Ser)

Gene: COPA (coat protein complex I subunit alpha; minus strand). Cytogenetic location: 1q23.2.
Variant type: single nucleotide variant.
Coding change: c.3038G>C on transcript NM_004371.4 (MANE Select); coding-DNA position 3038, G replaced by C.
Protein change: p.Cys1013Ser; replaces cysteine 1013 with serine.
Molecular consequence: missense variant.
Genome position (GRCh38, 1-based): chr1:160,292,121, C>G on the plus strand (G>C on the coding strand, the complement: COPA is on the minus strand). VCF-style: chr1-160292121-C-G. GRCh37 (hg19) VCF-style: chr1-160261911-C-G.
Other names: COPA, CYS1013SER (rs775980693); p.Cys1013Ser; c.3065G>C, p.Cys1022Ser (NM_001098398.2); short protein forms C1022S, C1013S.
Identifiers: ClinVar variation 3147973 (VCV003147973.5), dbSNP rs775980693, ClinGen allele CA1197706.